The following is an entry in ClinVar:

ClinVar aggregate classification (germline): Uncertain significance (1 of 4 stars; one submission).

gnomAD v4.1: 4 of 1,614,032 alleles (0.00025%); highest among the groups gnomAD compares: Admixed American, 0.0067%; no homozygotes.

Submission:

Labcorp Genetics (formerly Invitae), Labcorp
Classification: Uncertain significance. Last evaluated: 2024-01-25. Review status: criteria provided, single submitter. Criteria: Invitae Variant Classification Sherloc (09022015). Collection method: clinical testing. Allele origin: germline.
Comment: This sequence change replaces glutamic acid, which is acidic and polar, with valine, which is neutral and non-polar, at codon 541 of the FMN1 protein (p.Glu541Val). This variant is present in population databases (no rsID available, gnomAD 0.003%). This variant has not been reported in the literature in individuals affected with FMN1-related conditions. Experimental studies and prediction algorithms are not available or were not evaluated, and the functional significance of this variant is currently unknown. In summary, the available evidence is currently insufficient to determine the role of this variant in disease. Therefore, it has been classified as a Variant of Uncertain Significance.

NM_001277313.2(FMN1):c.2291A>T (p.Glu764Val)

Gene: FMN1 (formin 1; minus strand). Cytogenetic location: 15q13.3.
Variant type: single nucleotide variant.
Coding change: c.2291A>T on transcript NM_001277313.2 (MANE Select); coding-DNA position 2291, A replaced by T.
Protein change: p.Glu764Val; replaces glutamic acid 764 with valine.
Molecular consequence: missense variant.
Genome position (GRCh38, 1-based): chr15:32,969,410, T>A on the plus strand (A>T on the coding strand, the complement: FMN1 is on the minus strand). VCF-style: chr15-32969410-T-A. GRCh37 (hg19) VCF-style: chr15-33261611-T-A.
Other names: c.1622A>T, p.Glu541Val (NM_001103184.4); short protein forms E764V, E541V.
Identifiers: ClinVar variation 2730398 (VCV002730398.3), dbSNP rs1462788906, ClinGen allele CA391564858.
Genomic context (GRCh38, chr15:32,969,410, plus strand): 5'-CTCTCTTCACAACCCCCTCGCCATCTGTGTTCTAGCTCGTGTTTCAGATTTTCAATGGTT[T>A]CTTCTAGTCTCGCTGTTATCATTGCATGCTCGCCCCGGATATGAAATGCCCGAAGTTCAA-3'
Protein context (NP_001264242.1, residues 754-774): EHAMITARLE[Glu764Val]TIENLKHELE